The following is an entry in ClinVar:

ClinVar aggregate classification (germline): Uncertain significance (1 of 4 stars; one submission).

Conditions:
Cystic fibrosis (CF). Also called: MUCOVISCIDOSIS. Identifiers: Orphanet 586, MedGen C0010674, MONDO:0009061, OMIM 219700. Disease mechanism: loss of function.

Submission:

Ambry Genetics
Classification: Uncertain significance for Cystic fibrosis. Last evaluated: 2026-04-12. Review status: criteria provided, single submitter. Criteria: Ambry Variant Classification Scheme 2023. Collection method: clinical testing. Allele origin: germline.
Comment: The p.L323F variant (also known as c.967C>T), located in coding exon 8 of the CFTR gene, results from a C to T substitution at nucleotide position 967. The leucine at codon 323 is replaced by phenylalanine, an amino acid with highly similar properties. This amino acid position is conserved. In addition, the in silico prediction for this alteration is inconclusive. Based on the available evidence, the clinical significance of this variant remains unclear.

NM_000492.4(CFTR):c.967C>T (p.Leu323Phe)

Gene: CFTR (CF transmembrane conductance regulator; plus strand). Cytogenetic location: 7q31.2.
Variant type: single nucleotide variant.
Coding change: c.967C>T on transcript NM_000492.4 (MANE Select); coding-DNA position 967, C replaced by T.
Protein change: p.Leu323Phe; replaces leucine 323 with phenylalanine.
Molecular consequence: missense variant.
Genome position (GRCh38, 1-based): chr7:117,540,197, C>T. VCF-style: chr7-117540197-C-T. GRCh37 (hg19) VCF-style: chr7-117180251-C-T.
Other names: short protein forms L323F.
Identifiers: ClinVar variation 4868836 (VCV004868836.1).
Genomic context (GRCh38, chr7:117,540,197, plus strand): 5'-AGATACTTCAATAGCTCAGCCTTCTTCTTCTCAGGGTTCTTTGTGGTGTTTTTATCTGTG[C>T]TTCCCTATGCACTAATCAAAGGAATCATCCTCCGGAAAATATTCACCACCATCTCATTCT-3'
Protein context (NP_000483.3, residues 313-333): SGFFVVFLSV[Leu323Phe]PYALIKGIIL